The following is an entry in ClinVar:

NM_016474.5(CCDC174):c.307+3A>G

Gene: CCDC174 (coiled-coil domain containing 174; plus strand). Cytogenetic location: 3p25.1.
Variant type: single nucleotide variant.
Coding change: c.307+3A>G on transcript NM_016474.5 (MANE Select); 3 bases into the intron after coding-DNA position 307, A replaced by G.
Molecular consequence: intron variant.
Genome position (GRCh38, 1-based): chr3:14,658,932, A>G. VCF-style: chr3-14658932-A-G. GRCh37 (hg19) VCF-style: chr3-14700439-A-G.
Other names: c.307+3A>G (NM_001410719.1).
Identifiers: ClinVar variation 3052027 (VCV003052027.2), dbSNP rs146669257, ClinGen allele CA2270006.
Genomic context (GRCh38, chr3:14,658,932, plus strand): 5'-GAAAAATTGGAAGAAAAAGCCAAATTATATGAAAAAATGACTAAAGGAGACTTTATAGGT[A>G]AATAAAATTTGTTATTTCTACTTCATTTTCTATAATGCATACAGCCCTTTGATATTACAT-3'

ClinVar aggregate classification (germline): Likely benign (0 of 4 stars; one submission).

Conditions:
CCDC174-related disorder. Also called: CCDC174-related condition.

Allele frequency attached by ClinVar (database versions not stated): gnomAD exomes 0.00015; ExAC 0.00052; gnomAD 0.00172; TOPMed 0.00193; ESP Exome Variant Server 0.00209; 1000 Genomes Project 30x 0.00234; 1000 Genomes Project 0.00240.
gnomAD v4.1: 471 of 1,505,466 alleles (0.031%); highest among the groups gnomAD compares: African/African-American, 0.6%; no homozygotes.

Submission:

PreventionGenetics, part of Exact Sciences
Classification: Likely benign for CCDC174-related condition. Last evaluated: 2022-04-06. Review status: no assertion criteria provided. Collection method: clinical testing. Allele origin: germline.
Comment: This variant is classified as likely benign based on ACMG/AMP sequence variant interpretation guidelines (Richards et al. 2015 PMID: 25741868, with internal and published modifications).